The following is an entry in ClinVar:

NM_001440.4(EXTL3):c.1835A>G (p.His612Arg)

Gene: EXTL3 (exostosin like glycosyltransferase 3; plus strand). Cytogenetic location: 8p21.1.
Variant type: single nucleotide variant.
Coding change: c.1835A>G on transcript NM_001440.4 (MANE Select); coding-DNA position 1835, A replaced by G.
Protein change: p.His612Arg; replaces histidine 612 with arginine.
Molecular consequence: missense variant.
Genome position (GRCh38, 1-based): chr8:28,717,894, A>G. VCF-style: chr8-28717894-A-G. GRCh37 (hg19) VCF-style: chr8-28575411-A-G.
Other names: short protein forms H612R.
Identifiers: ClinVar variation 1900923 (VCV001900923.5), dbSNP rs771484952, ClinGen allele CA4696295.

ClinVar aggregate classification (germline): Uncertain significance (1 of 4 stars; one submission).

Allele frequency attached by ClinVar (database versions not stated): gnomAD exomes 0.00002; TOPMed 0.00002; ExAC 0.00004.
gnomAD v4.1: 29 of 1,614,056 alleles (0.0018%); highest among the groups gnomAD compares: South Asian, 0.014%; no homozygotes.

Submission:

Labcorp Genetics (formerly Invitae), Labcorp
Classification: Uncertain significance. Last evaluated: 2022-06-09. Review status: criteria provided, single submitter. Criteria: Invitae Variant Classification Sherloc (09022015). Collection method: clinical testing. Allele origin: germline.
Comment: In summary, the available evidence is currently insufficient to determine the role of this variant in disease. Therefore, it has been classified as a Variant of Uncertain Significance. Algorithms developed to predict the effect of missense changes on protein structure and function are either unavailable or do not agree on the potential impact of this missense change (SIFT: "Deleterious"; PolyPhen-2: "Benign"; Align-GVGD: "Class C0"). This variant has not been reported in the literature in individuals affected with EXTL3-related conditions. This variant is present in population databases (rs771484952, gnomAD 0.01%). This sequence change replaces histidine, which is basic and polar, with arginine, which is basic and polar, at codon 612 of the EXTL3 protein (p.His612Arg).